The following is an entry in ClinVar:

ClinVar aggregate classification (germline): Likely benign (1 of 4 stars; one submission).

gnomAD v4.1: 24 of 1,610,864 alleles (0.0015%); highest among the groups gnomAD compares: Non-Finnish European, 0.0019%; no homozygotes.

Submission:

CeGaT Center for Human Genetics Tuebingen
Classification: Likely benign. Last evaluated: 2026-02-01. Review status: criteria provided, single submitter. Criteria: CeGaT Center For Human Genetics Tuebingen Variant Classification Criteria Version 2. Collection method: clinical testing. Allele origin: germline. Affected: yes. Observed: 1 variant allele.
Comment: PTGER2: BP4, BP7

NM_000956.4(PTGER2):c.660C>T (p.Leu220=)

Gene: PTGER2 (prostaglandin E receptor 2; plus strand). Cytogenetic location: 14q22.1.
Variant type: single nucleotide variant.
Coding change: c.660C>T on transcript NM_000956.4 (MANE Select); coding-DNA position 660, C replaced by T.
Protein change: p.Leu220=; no amino-acid change (leucine 220 retained).
Molecular consequence: synonymous variant.
Genome position (GRCh38, 1-based): chr14:52,315,208, C>T. VCF-style: chr14-52315208-C-T. GRCh37 (hg19) VCF-style: chr14-52781926-C-T.
Identifiers: ClinVar variation 4823362 (VCV004823362.4).
Genomic context (GRCh38, chr14:52,315,208, plus strand): 5'-CGCCACCCTGCTGCTGCTTCTCATTGTCTCGGTGCTCGCCTGCAACTTCAGTGTCATTCT[C>T]AACCTCATCCGCATGCACCGCCGAAGCCGGAGAAGCCGCTGCGGACCTTCCCTGGGCAGT-3'
Protein context (NP_000947.2, residues 210-230): SVLACNFSVI[Leu220=]NLIRMHRRSR